The following is an entry in ClinVar:

ClinVar aggregate classification (germline): Pathogenic (1 of 4 stars; one submission).

Submission:

Labcorp Genetics (formerly Invitae), Labcorp
Classification: Pathogenic. Last evaluated: 2025-10-28. Review status: criteria provided, single submitter. Criteria: Invitae Variant Classification Sherloc (09022015). Collection method: clinical testing. Allele origin: germline.
Comment: This sequence change creates a premature translational stop signal (p.Gly192Metfs*7) in the LZTR1 gene. It is expected to result in an absent or disrupted protein product. Loss-of-function variants in LZTR1 are known to be pathogenic (PMID: 24362817, 25335493, 25480913, 25795793, 29469822, 30368668, 30442762, 30442766, 30481304, 30859559). This variant is not present in population databases (gnomAD no frequency). This variant has not been reported in the literature in individuals affected with LZTR1-related conditions. ClinVar contains an entry for this variant (Variation ID: 2893920). For these reasons, this variant has been classified as Pathogenic.

Literature cited by the submitters: PubMed 24362817; PubMed 25335493; PubMed 25480913; PubMed 25795793; PubMed 29469822; PubMed 30368668; PubMed 30442762; PubMed 30442766; PubMed 30481304; PubMed 30859559.

NM_006767.4(LZTR1):c.574_577del (p.Gly192fs)

Gene: LZTR1 (leucine zipper like post translational regulator 1; plus strand). Cytogenetic location: 22q11.21.
Variant type: Deletion.
Coding change: c.574_577del on transcript NM_006767.4 (MANE Select); coding-DNA positions 574 to 577, 4 bases deleted (GGCT; older notation c.574_577delGGCT).
Protein change: p.Gly192fs; shifts the reading frame from glycine 192.
Molecular consequence: frameshift variant.
Genome position (GRCh38, 1-based): chr22:20,988,853-20,988,856, GGCT deleted; deleting any 4 consecutive bases within chr22:20,988,850-20,988,856 gives the same sequence; the c. name uses the placement nearest the transcript's 3' end. VCF-style (leftmost placement, unchanged base first): chr22-20988849-TGCTG-T. GRCh37 (hg19) VCF-style: chr22-21343138-TGCTG-T.
Other names: short protein forms G192fs.
Identifiers: ClinVar variation 2893920 (VCV002893920.3), dbSNP rs2518614175, ClinGen allele CA2739267807.